The following is an entry in ClinVar:

ClinVar aggregate classification (germline): Uncertain significance (1 of 4 stars; one submission).

Conditions:
Stormorken syndrome (STRMK). Also called: THROMBOCYTOPATHY, ASPLENIA, AND MIOSIS. Identifiers: Orphanet 3204, MedGen C1861451, MONDO:0008497, OMIM 185070.
Combined immunodeficiency due to STIM1 deficiency. Also called: IMMUNODEFICIENCY 10; STIM1 DEFICIENCY. Identifiers: Orphanet 169090, Orphanet 317430, MedGen C2748557, MONDO:0013008, OMIM 612783.
Myopathy with tubular aggregates (TAM). Also called: Tubular Aggregate Myopathy. Identifiers: Orphanet 2593, MedGen C0410207, MONDO:0008051.

Allele frequency attached by ClinVar (database versions not stated): gnomAD exomes 0.00001; gnomAD 0.00002; TOPMed 0.00002.
gnomAD v4.1: 12 of 1,614,044 alleles (0.00074%); highest among the groups gnomAD compares: Non-Finnish European, 0.00093%; no homozygotes.

Submission:

Labcorp Genetics (formerly Invitae), Labcorp
Classification: Uncertain significance for Myopathy with tubular aggregates; Combined immunodeficiency due to STIM1 deficiency; Stormorken syndrome. Last evaluated: 2025-12-29. Review status: criteria provided, single submitter. Criteria: Invitae Variant Classification Sherloc (09022015). Collection method: clinical testing. Allele origin: germline.
Comment: This sequence change replaces phenylalanine, which is neutral and non-polar, with leucine, which is neutral and non-polar, at codon 214 of the STIM1 protein (p.Phe214Leu). This variant is not present in population databases (gnomAD no frequency). This variant has not been reported in the literature in individuals affected with STIM1-related conditions. ClinVar contains an entry for this variant (Variation ID: 2040135). Invitae Evidence Modeling of protein sequence and biophysical properties (such as structural, functional, and spatial information, amino acid conservation, physicochemical variation, residue mobility, and thermodynamic stability) has been performed for this missense variant. However, the output from this modeling did not meet the statistical confidence thresholds required to predict the impact of this variant on STIM1 protein function. In summary, the available evidence is currently insufficient to determine the role of this variant in disease. Therefore, it has been classified as a Variant of Uncertain Significance.

NM_001382567.1(STIM1):c.642C>G (p.Phe214Leu)

Gene: STIM1 (stromal interaction molecule 1; plus strand). Cytogenetic location: 11p15.4.
Variant type: single nucleotide variant.
Coding change: c.642C>G on transcript NM_001382567.1 (MANE Select); coding-DNA position 642, C replaced by G.
Protein change: p.Phe214Leu; replaces phenylalanine 214 with leucine.
Molecular consequence: missense variant. On other transcripts: non-coding transcript variant (2).
Genome position (GRCh38, 1-based): chr11:4,070,054, C>G. VCF-style: chr11-4070054-C-G. GRCh37 (hg19) VCF-style: chr11-4091284-C-G.
Other names: c.642C>G, p.Phe214Leu (NM_001277961.3, NM_001277962.2, NM_001382568.1 and 2 more transcripts); c.420C>G, p.Phe140Leu (NM_001382566.1, NM_001382573.1, NM_001382574.1 and 5 more transcripts); c.507C>G, p.Phe169Leu (NM_001382569.1); c.414C>G, p.Phe138Leu (NM_001382570.1); c.162C>G, p.Phe54Leu (NM_001382571.1); c.153C>G, p.Phe51Leu (NM_001382580.1, NM_001382581.1); short protein forms F140L, F51L, F54L, F138L, F169L, F214L.
Identifiers: ClinVar variation 2040135 (VCV002040135.4), dbSNP rs1418384472, ClinGen allele CA379486014.